The following is an entry in ClinVar:

NM_020975.6(RET):c.2694T>G (p.Asp898Glu)

Gene: RET (ret proto-oncogene; plus strand). Cytogenetic location: 10q11.21.
Variant type: single nucleotide variant.
Coding change: c.2694T>G on transcript NM_020975.6 (MANE Select); coding-DNA position 2694, T replaced by G.
Protein change: p.Asp898Glu; replaces aspartic acid 898 with glutamic acid.
Molecular consequence: missense variant.
Genome position (GRCh38, 1-based): chr10:43,120,167, T>G. VCF-style: chr10-43120167-T-G. GRCh37 (hg19) VCF-style: chr10-43615615-T-G.
Other names: c.2694T>G, p.Asp898Glu (NM_000323.2, NM_001406743.1, NM_001406744.1 and 4 more transcripts); c.1932T>G, p.Asp644Glu (NM_001355216.2); c.2565T>G, p.Asp855Glu (NM_001406761.1, NM_001406762.1, NM_001406764.1); c.2559T>G, p.Asp853Glu (NM_001406763.1, NM_001406765.1); c.2406T>G, p.Asp802Glu (NM_001406766.1, NM_001406767.1, NM_001406770.1); c.2430T>G, p.Asp810Glu (NM_001406768.1); c.2298T>G, p.Asp766Glu (NM_001406769.1, NM_001406772.1); c.2256T>G, p.Asp752Glu (NM_001406771.1, NM_001406773.1); and 10 more; short protein forms D898E, D644E, D559E, D656E, D723E, D415E, D556E, D752E.
Identifiers: ClinVar variation 405535 (VCV000405535.9), dbSNP rs1060500758, ClinGen allele CA16612892.

ClinVar aggregate classification (germline): Uncertain significance (1 of 4 stars; one submission).

Conditions:
Multiple endocrine neoplasia, type 2 (MEN2). Identifiers: Orphanet 653, MedGen C4048306, MONDO:0019003. Disease mechanism: gain of function.

Submission:

Labcorp Genetics (formerly Invitae), Labcorp
Classification: Uncertain significance for Multiple endocrine neoplasia, type 2. Last evaluated: 2016-09-29. Review status: criteria provided, single submitter. Criteria: Invitae Variant Classification Sherloc (09022015). Collection method: clinical testing. Allele origin: germline.
Comment: Algorithms developed to predict the effect of sequence changes on RNA splicing suggest that this variant may alter RNA splicing, but this prediction has not been confirmed by published transcriptional studies. In summary, this variant is a novel missense change with uncertain impact on protein function and mRNA splicing. It has been classified as a Variant of Uncertain Significance. Algorithms developed to predict the effect of missense changes on protein structure and function do not agree on the potential impact of this missense change (SIFT: "Deleterious"; PolyPhen-2: "Probably Damaging"; Align-GVGD: "Class C0"). This variant is not present in population databases (ExAC no frequency) and has not been reported in the literature in individuals with a RET-related disease. This sequence change replaces aspartic acid with glutamic acid at codon 898 of the RET protein (p.Asp898Glu). The aspartic acid residue is highly conserved and there is a small physicochemical difference between aspartic acid and glutamic acid.